The following is an entry in ClinVar:

ClinVar aggregate classification (germline): Uncertain significance (1 of 4 stars; one submission).

Submission:

GeneDx
Classification: Uncertain significance. Last evaluated: 2023-03-17. Review status: criteria provided, single submitter. Criteria: GeneDx Variant Classification Process June 2021. Collection method: clinical testing. Allele origin: germline. Affected: yes.
Comment: Not observed in large population cohorts (gnomAD); In silico analysis supports that this missense variant does not alter protein structure/function; This variant is associated with the following publications: (PMID: 36586412)

NM_201599.3(ZMYM3):c.205G>A (p.Asp69Asn)

Gene: ZMYM3 (zinc finger MYM-type containing 3; minus strand). Cytogenetic location: Xq13.1.
Variant type: single nucleotide variant.
Coding change: c.205G>A on transcript NM_201599.3 (MANE Select); coding-DNA position 205, G replaced by A.
Protein change: p.Asp69Asn; replaces aspartic acid 69 with asparagine.
Molecular consequence: missense variant.
Genome position (GRCh38, 1-based): chrX:71,253,051, C>T on the plus strand (G>A on the coding strand, the complement: ZMYM3 is on the minus strand). VCF-style: chrX-71253051-C-T. GRCh37 (hg19) VCF-style: chrX-70472901-C-T.
Other names: c.205G>A, p.Asp69Asn (NM_001171162.1, NM_001171163.1, NM_005096.3); short protein forms D69N.
Identifiers: ClinVar variation 2446133 (VCV002446133.1), dbSNP rs2519851059, ClinGen allele CA413530271.
Genomic context (GRCh38, chrX:71,253,051, plus strand): 5'-CTTTATAGAGCAGCCCCCCCAGCCCCAGCAACTCAGTGGCTCCATCCAGGACTCCAGGGT[C>T]TTTTTCCAGGCCAGCAGGGGTATCAAGCAGGTCCAGGGCTCCCGAGGATGGAGAAGGGCC-3'
Protein context (NP_963893.1, residues 59-79): LLDTPAGLEK[Asp69Asn]PGVLDGATEL